The following is an entry in ClinVar:

ClinVar aggregate classification (germline): Uncertain significance (1 of 4 stars; one submission).

Submission:

Labcorp Genetics (formerly Invitae), Labcorp
Classification: Uncertain significance. Last evaluated: 2024-04-06. Review status: criteria provided, single submitter. Criteria: Invitae Variant Classification Sherloc (09022015). Collection method: clinical testing. Allele origin: germline.
Comment: This sequence change replaces valine, which is neutral and non-polar, with isoleucine, which is neutral and non-polar, at codon 21 of the SCO2 protein (p.Val21Ile). This variant is not present in population databases (gnomAD no frequency). This variant has not been reported in the literature in individuals affected with SCO2-related conditions. Algorithms developed to predict the effect of missense changes on protein structure and function output the following: SIFT: "Not Available"; PolyPhen-2: "Benign"; Align-GVGD: "Not Available". The isoleucine amino acid residue is found in multiple mammalian species, which suggests that this missense change does not adversely affect protein function. In summary, the available evidence is currently insufficient to determine the role of this variant in disease. Therefore, it has been classified as a Variant of Uncertain Significance.

NM_005138.3(SCO2):c.61G>A (p.Val21Ile)

Genes: NCAPH2 (non-SMC condensin II complex subunit H2; plus strand), SCO2 (synthesis of cytochrome C oxidase 2; minus strand). Cytogenetic location: 22q13.33.
Variant type: single nucleotide variant.
Coding change: c.61G>A on transcript NM_005138.3 (MANE Select); coding-DNA position 61, G replaced by A.
Protein change: p.Val21Ile; replaces valine 21 with isoleucine.
Molecular consequence: missense variant. On other transcripts: 3 prime UTR variant (2).
Genome position (GRCh38, 1-based): chr22:50,524,351, C>T on the plus strand (G>A on the coding strand, the complement: SCO2 is on the minus strand). VCF-style: chr22-50524351-C-T. GRCh37 (hg19) VCF-style: chr22-50962780-C-T.
Other names: c.*976C>T (NM_001185011.2, NM_152299.4); c.61G>A, p.Val21Ile (NM_001169109.2, NM_001169110.1, NM_001169111.2); short protein forms V21I.
Identifiers: ClinVar variation 3674618 (VCV003674618.2).